The following is an entry in ClinVar:

NM_000152.5(GAA):c.2570T>G (p.Leu857Arg)

Gene: GAA (alpha glucosidase; plus strand). Cytogenetic location: 17q25.3.
Variant type: single nucleotide variant.
Coding change: c.2570T>G on transcript NM_000152.5 (MANE Select); coding-DNA position 2570, T replaced by G.
Protein change: p.Leu857Arg; replaces leucine 857 with arginine.
Molecular consequence: missense variant.
Genome position (GRCh38, 1-based): chr17:80,118,281, T>G. VCF-style: chr17-80118281-T-G. GRCh37 (hg19) VCF-style: chr17-78092080-T-G.
Other names: c.2570T>G, p.Leu857Arg (NM_001079803.3, NM_001079804.3, NM_001406741.1 and 1 more transcripts); short protein forms L857R.
Identifiers: ClinVar variation 4876597 (VCV004876597.2).

ClinVar aggregate classification (germline): Uncertain significance. Review status: criteria provided, multiple submitters, no conflicts (2 of 4 stars). 2 submissions from 2 submitters: Uncertain significance (2). Last evaluated 2026-07-01.

Conditions:
Glycogen storage disease, type II (IOPD). Also called: CARDIOMEGALIA GLYCOGENICA DIFFUSA; GLYCOGENOSIS, GENERALIZED, CARDIAC FORM; GSD II; Glycogen storage disease type 2; Acid maltase deficiency disease; Aglucosidase alfa. Identifiers: Orphanet 365, MedGen C0017921, MONDO:0009290, OMIM 232300.

gnomAD v4.1: 1 of 1,605,322 alleles (0.000062%); highest among the groups gnomAD compares: South Asian, 0.0011%; no homozygotes.

Submissions (2):

Genomenon, Inc
Classification: Uncertain significance for Glycogen storage disease, type II. Last evaluated: 2026-07-01. Review status: criteria provided, single submitter. Criteria: Genomenon Sequence Variant Interpretation Standards - Updated. Collection method: curation. Allele origin: germline. Affected: yes.
Comment: GAA p.Leu857Arg (c.2570T>G) is a missense variant that changes the amino acid at codon 857 from Leucine to Arginine. This variant has been observed in at least one proband with a GAA-related disorder (PMID:40225932). It is absent or not present at a significant frequency in gnomAD. In silico models predict that this variant is possibly or probably damaging. In conclusion, we classify GAA p.Leu857Arg (c.2570T>G) as a variant of uncertain significance.

Myriad Genetics, Inc.
Classification: Uncertain significance for Glycogen storage disease, type II. Last evaluated: 2026-04-09. Review status: criteria provided, single submitter. Criteria: Myriad Autosomal Dominant, Autosomal Recessive and X-Linked Classification Criteria (2023). Collection method: clinical testing. Allele origin: unknown.
Comment: NM_000152.3(GAA):c.2570T>G(L857R) is a missense variant classified as a variant of uncertain significance in the context of Pompe disease. L857R has been observed in a case with relevant disease (PMID: 40225932). Relevant functional assessments of this variant are not available in the literature. L857R has not been observed in referenced population frequency databases. In summary, there is insufficient evidence to classify NM_000152.3(GAA):c.2570T>G(L857R) as pathogenic or benign. Please note: this variant was assessed in the context of healthy population screening.

Literature cited by the submitters: PubMed 40225932 (cited by Genomenon, Inc and Myriad Genetics, Inc.).